The following is an entry in ClinVar:

NM_001845.6(COL4A1):c.3019C>T (p.Pro1007Ser)

Gene: COL4A1 (collagen type IV alpha 1 chain; minus strand). Cytogenetic location: 13q34.
Variant type: single nucleotide variant.
Coding change: c.3019C>T on transcript NM_001845.6 (MANE Select); coding-DNA position 3019, C replaced by T.
Protein change: p.Pro1007Ser; replaces proline 1007 with serine.
Molecular consequence: missense variant.
Genome position (GRCh38, 1-based): chr13:110,176,463, G>A on the plus strand (C>T on the coding strand, the complement: COL4A1 is on the minus strand). VCF-style: chr13-110176463-G-A. GRCh37 (hg19) VCF-style: chr13-110828810-G-A.
Other names: p.Pro1007Ser; c.3019C>T (NM_001845.5); short protein forms P1007S.
Identifiers: ClinVar variation 1010870 (VCV001010870.14), dbSNP rs141418421, ClinGen allele CA7047409.

ClinVar aggregate classification (germline): Conflicting classifications of pathogenicity. Review status: criteria provided, conflicting classifications (1 of 4 stars). 5 submissions from 5 submitters: Uncertain significance (2); Likely benign (2). 1 of the submissions does not count toward it. Last evaluated 2026-01-26.

Conditions:
COL4A1-related disorder. Also called: COL4A1-related condition; COL4A1-related disorders. Identifiers: MedGen CN376119, MONDO:0800461.

Allele frequency attached by ClinVar (database versions not stated): ExAC 0.00008; ESP Exome Variant Server 0.00008; TOPMed 0.00008; gnomAD exomes 0.00012; 1000 Genomes Project 30x 0.00016; 1000 Genomes Project 0.00020; gnomAD 0.00004 and 0.00005.
gnomAD v4.1: 123 of 1,614,036 alleles (0.0076%); highest among the groups gnomAD compares: Admixed American, 0.04%; 1 homozygote.

Submissions (5):

Labcorp Genetics (formerly Invitae), Labcorp
Classification: Likely benign. Last evaluated: 2026-01-26. Review status: criteria provided, single submitter. Criteria: Invitae Variant Classification Sherloc (09022015). Collection method: clinical testing. Allele origin: germline.

Revvity Omics, Revvity
Classification: Likely benign. Last evaluated: 2024-03-21. Review status: criteria provided, single submitter. Criteria: ACMG Guidelines, 2015. Collection method: clinical testing. Allele origin: germline.

Mayo Clinic Laboratories, Mayo Clinic
Classification: Uncertain significance. Last evaluated: 2021-11-29. Review status: criteria provided, single submitter. Criteria: ACMG Guidelines, 2015. Collection method: clinical testing. Allele origin: germline. Observed: 1 variant allele.
Comment: BS1

GeneDx
Classification: Uncertain significance. Last evaluated: 2020-01-22. Review status: criteria provided, single submitter. Criteria: GeneDx Variant Classification Process June 2021. Collection method: clinical testing. Allele origin: germline. Affected: yes.
Comment: In silico analysis, which includes protein predictors and evolutionary conservation, supports a deleterious effect; Has not been previously published as pathogenic or benign to our knowledge

PreventionGenetics, part of Exact Sciences
Classification: Likely benign for COL4A1-related condition. Last evaluated: 2024-09-25. Review status: no assertion criteria provided. Collection method: clinical testing. Allele origin: germline. Not counted in ClinVar's aggregate classification.
Comment: This variant is classified as likely benign based on ACMG/AMP sequence variant interpretation guidelines (Richards et al. 2015 PMID: 25741868, with internal and published modifications).